The following is an entry in ClinVar:

NM_004004.6(GJB2):c.-6T>C

Gene: GJB2 (gap junction protein beta 2; minus strand). Cytogenetic location: 13q12.11.
Variant type: single nucleotide variant.
Coding change: c.-6T>C on transcript NM_004004.6 (MANE Select); 6 bases upstream of the start codon, T replaced by C.
Molecular consequence: 5 prime UTR variant.
Genome position (GRCh38, 1-based): chr13:20,189,587, A>G on the plus strand (T>C on the coding strand, the complement: GJB2 is on the minus strand). VCF-style: chr13-20189587-A-G. GRCh37 (hg19) VCF-style: chr13-20763726-A-G.
Identifiers: ClinVar variation 3768532 (VCV003768532.1).

ClinVar aggregate classification (germline): Uncertain significance (1 of 4 stars; one submission).

Submission:

Women's Health and Genetics/Laboratory Corporation of America, LabCorp
Classification: Uncertain significance. Last evaluated: 2024-12-18. Review status: criteria provided, single submitter. Criteria: LabCorp Variant Classification Summary - May 2015. Collection method: clinical testing. Allele origin: germline.
Comment: Variant summary: GJB2 c.-6T>C is located in the untranslated mRNA region upstream of the initiation codon. The variant was absent in 249098 control chromosomes. The available data on variant occurrences in the general population are insufficient to allow any conclusion about variant significance. c.-6T>C has been reported in the literature in one individual affected with Non-Syndromic Hearing Loss, without strong evidence for causality (Putcha _2007). These report(s) do not provide unequivocal conclusions about association of the variant with Non-Syndromic Hearing Loss. To our knowledge, no experimental evidence demonstrating an impact on protein function has been reported. The following publication has been ascertained in the context of this evaluation (PMID: 17666888). No submitters have cited clinical-significance assessments for this variant to ClinVar. Based on the evidence outlined above, the variant was classified as uncertain significance.

Literature cited by the submitters: PubMed 17666888.